The following is an entry in ClinVar:

NM_001330691.3(CEP78):c.1825A>G (p.Asn609Asp)

Gene: CEP78 (centrosomal protein 78; plus strand). Cytogenetic location: 9q21.2.
Variant type: single nucleotide variant.
Coding change: c.1825A>G on transcript NM_001330691.3 (MANE Select); coding-DNA position 1825, A replaced by G.
Protein change: p.Asn609Asp; replaces asparagine 609 with aspartic acid.
Molecular consequence: missense variant. On other transcripts: intron variant (4).
Genome position (GRCh38, 1-based): chr9:78,265,886, A>G. VCF-style: chr9-78265886-A-G. GRCh37 (hg19) VCF-style: chr9-80880802-A-G.
Other names: c.1828A>G, p.Asn610Asp (NM_001098802.3, NM_001349839.2); c.1825A>G, p.Asn609Asp (NM_001349838.2); c.1800+343A>G (NM_001349840.2, NM_032171.3); c.1797+343A>G (NM_001330693.3, NM_001330694.2); c.1828A>G (NM_001098802.1); short protein forms N610D, N609D.
Identifiers: ClinVar variation 1039952 (VCV001039952.6), dbSNP rs371411793, ClinGen allele CA5095365.

ClinVar aggregate classification (germline): Uncertain significance. Review status: criteria provided, multiple submitters, no conflicts (2 of 4 stars). 3 submissions from 3 submitters: Uncertain significance (3). Last evaluated 2025-08-01.

Conditions:
Inborn genetic diseases. Identifiers: MedGen C0950123, MeSH D030342.

Allele frequency attached by ClinVar (database versions not stated): gnomAD 0.00004; TOPMed 0.00005; ExAC 0.00009; ESP Exome Variant Server 0.00009.
gnomAD v4.1: 122 of 1,398,084 alleles (0.0087%); highest among the groups gnomAD compares: Non-Finnish European, 0.012%; no homozygotes.

Submissions (3):

Ambry Genetics
Classification: Uncertain significance for Inborn genetic diseases. Last evaluated: 2025-08-01. Review status: criteria provided, single submitter. Criteria: Ambry Variant Classification Scheme 2023. Collection method: clinical testing. Allele origin: germline.

Blueprint Genetics
Classification: Uncertain significance. Last evaluated: 2024-09-03. Review status: criteria provided, single submitter. Criteria: ACMG Guidelines, 2015. Collection method: clinical testing. Allele origin: germline.

Labcorp Genetics (formerly Invitae), Labcorp
Classification: Uncertain significance. Last evaluated: 2023-10-03. Review status: criteria provided, single submitter. Criteria: Invitae Variant Classification Sherloc (09022015). Collection method: clinical testing. Allele origin: germline.
Comment: This sequence change replaces asparagine, which is neutral and polar, with aspartic acid, which is acidic and polar, at codon 610 of the CEP78 protein (p.Asn610Asp). This variant is present in population databases (rs371411793, gnomAD 0.01%). This variant has not been reported in the literature in individuals affected with CEP78-related conditions. ClinVar contains an entry for this variant (Variation ID: 1039952). An algorithm developed to predict the effect of missense changes on protein structure and function (PolyPhen-2) suggests that this variant is likely to be disruptive. Algorithms developed to predict the effect of sequence changes on RNA splicing suggest that this variant may create or strengthen a splice site. In summary, the available evidence is currently insufficient to determine the role of this variant in disease. Therefore, it has been classified as a Variant of Uncertain Significance.